The following is an entry in ClinVar:

ClinVar aggregate classification (germline): Uncertain significance. Review status: criteria provided, multiple submitters, no conflicts (2 of 4 stars). 3 submissions from 3 submitters: Uncertain significance (3). Last evaluated 2025-02-04.

Conditions:
Joubert syndrome with renal defect. Also called: JOUBERT SYNDROME 4. Identifiers: Orphanet 220497, MedGen C1846790, MONDO:0012308, OMIM 609583.
Senior-Loken syndrome 1 (SLSN1). Also called: JUVENILE NEPHRONOPHTHISIS WITH LEBER AMAUROSIS. Identifiers: Orphanet 3156, MedGen C4551559, MONDO:0009962, OMIM 266900.
Nephronophthisis 1 (NPHP1). Also called: Nephronophthisis familial juvenile. Identifiers: Orphanet 655, Orphanet 93592, MedGen C1855681, MONDO:0009728, OMIM 256100.
Inborn genetic diseases. Identifiers: MedGen C0950123, MeSH D030342.
Nephronophthisis. Also called: Juvenile Nephronophthisis. Identifiers: Orphanet 655, MedGen C0687120, MONDO:0019005, HP:0000090.

Allele frequency attached by ClinVar (database versions not stated): gnomAD exomes below 0.00001 and 0.00001; gnomAD 0.00001; TOPMed 0.00001.
gnomAD v4.1: 15 of 1,614,018 alleles (0.00093%); highest among the groups gnomAD compares: Non-Finnish European, 0.0012%; no homozygotes.

Submissions (3):

Ambry Genetics
Classification: Uncertain significance for Inborn genetic diseases. Last evaluated: 2025-02-04. Review status: criteria provided, single submitter. Criteria: Ambry Variant Classification Scheme 2023. Collection method: clinical testing. Allele origin: germline.

Fulgent Genetics
Classification: Uncertain significance for Nephronophthisis 1; Senior-Loken syndrome 1; Joubert syndrome with renal defect. Last evaluated: 2024-04-09. Review status: criteria provided, single submitter. Criteria: ACMG Guidelines, 2015. Collection method: clinical testing. Allele origin: germline.

Labcorp Genetics (formerly Invitae), Labcorp
Classification: Uncertain significance for Nephronophthisis. Last evaluated: 2022-02-17. Review status: criteria provided, single submitter. Criteria: Invitae Variant Classification Sherloc (09022015). Collection method: clinical testing. Allele origin: germline.
Comment: This sequence change replaces isoleucine, which is neutral and non-polar, with threonine, which is neutral and polar, at codon 688 of the NPHP1 protein (p.Ile688Thr). This variant is present in population databases (no rsID available, gnomAD 0.0009%). This variant has not been reported in the literature in individuals affected with NPHP1-related conditions. ClinVar contains an entry for this variant (Variation ID: 941597). Algorithms developed to predict the effect of missense changes on protein structure and function are either unavailable or do not agree on the potential impact of this missense change (SIFT: "Deleterious"; PolyPhen-2: "Probably Damaging"; Align-GVGD: "Class C0"). In summary, the available evidence is currently insufficient to determine the role of this variant in disease. Therefore, it has been classified as a Variant of Uncertain Significance.

NM_001128178.3(NPHP1):c.1895T>C (p.Ile632Thr)

Gene: NPHP1 (nephrocystin 1; minus strand). Cytogenetic location: 2q13.
Variant type: single nucleotide variant.
Coding change: c.1895T>C on transcript NM_001128178.3 (MANE Select); coding-DNA position 1895, T replaced by C.
Protein change: p.Ile632Thr; replaces isoleucine 632 with threonine.
Molecular consequence: missense variant. On other transcripts: 3 prime UTR variant (1).
Genome position (GRCh38, 1-based): chr2:110,123,930, A>G on the plus strand (T>C on the coding strand, the complement: NPHP1 is on the minus strand). VCF-style: chr2-110123930-A-G. GRCh37 (hg19) VCF-style: chr2-110881507-A-G.
Other names: c.2063T>C, p.Ile688Thr (NM_000272.5); c.1706T>C, p.Ile569Thr (NM_001128179.3); c.1892T>C, p.Ile631Thr (NM_001374256.1); c.*137T>C (NM_001374257.1); c.2060T>C, p.Ile687Thr (NM_207181.4); short protein forms I632T, I687T, I569T, I631T, I688T.
Identifiers: ClinVar variation 941597 (VCV000941597.10), dbSNP rs1212945698, ClinGen allele CA348086098.
Genomic context (GRCh38, chr2:110,123,930, plus strand): 5'-GGTGACAGCAGAGCTTGGAGGGCGCCCTGGTTTTCTTGGTTTTGCTTAAGGAAGTCAGTG[A>G]TAACTTTCCACCGTGCAGTCTCAGTCTCTTCTTCTGCCCACCTGAATGGGGGTAGGCGTG-3'
Protein context (NP_001121650.1, residues 622-642): EETETARWKV[Ile632Thr]TDFLKQNQEN